The following is an entry in ClinVar:

NM_032119.4(ADGRV1):c.1289C>G (p.Ser430Cys)

Gene: ADGRV1 (adhesion G protein-coupled receptor V1; plus strand). Cytogenetic location: 5q14.3.
Variant type: single nucleotide variant.
Coding change: c.1289C>G on transcript NM_032119.4 (MANE Select); coding-DNA position 1289, C replaced by G.
Protein change: p.Ser430Cys; replaces serine 430 with cysteine.
Molecular consequence: missense variant. On other transcripts: non-coding transcript variant (1).
Genome position (GRCh38, 1-based): chr5:90,628,612, C>G. VCF-style: chr5-90628612-C-G. GRCh37 (hg19) VCF-style: chr5-89924429-C-G.
Other names: short protein forms S430C.
Identifiers: ClinVar variation 2131039 (VCV002131039.4), dbSNP rs773807940, ClinGen allele CA360371605.

ClinVar aggregate classification (germline): Uncertain significance (1 of 4 stars; one submission).

Submission:

Labcorp Genetics (formerly Invitae), Labcorp
Classification: Uncertain significance. Last evaluated: 2022-04-28. Review status: criteria provided, single submitter. Criteria: Invitae Variant Classification Sherloc (09022015). Collection method: clinical testing. Allele origin: germline.
Comment: In summary, the available evidence is currently insufficient to determine the role of this variant in disease. Therefore, it has been classified as a Variant of Uncertain Significance. This sequence change replaces serine, which is neutral and polar, with cysteine, which is neutral and slightly polar, at codon 430 of the ADGRV1 protein (p.Ser430Cys). This variant is not present in population databases (gnomAD no frequency). This variant has not been reported in the literature in individuals affected with ADGRV1-related conditions. Algorithms developed to predict the effect of missense changes on protein structure and function are either unavailable or do not agree on the potential impact of this missense change (SIFT: "Deleterious"; PolyPhen-2: "Possibly Damaging"; Align-GVGD: "Class C0").